The following is an entry in ClinVar:

NM_021926.4(ALX4):c.253G>A (p.Gly85Ser)

Gene: ALX4 (ALX homeobox 4; minus strand). Cytogenetic location: 11p11.2.
Variant type: single nucleotide variant.
Coding change: c.253G>A on transcript NM_021926.4 (MANE Select); coding-DNA position 253, G replaced by A.
Protein change: p.Gly85Ser; replaces glycine 85 with serine.
Molecular consequence: missense variant.
Genome position (GRCh38, 1-based): chr11:44,309,810, C>T on the plus strand (G>A on the coding strand, the complement: ALX4 is on the minus strand). VCF-style: chr11-44309810-C-T. GRCh37 (hg19) VCF-style: chr11-44331360-C-T.
Other names: short protein forms G85S.
Identifiers: ClinVar variation 1904706 (VCV001904706.6), dbSNP rs765279140, ClinGen allele CA5955786.
Genomic context (GRCh38, chr11:44,309,810, plus strand): 5'-GCTGCGGCGGCGGCTGGGGCTGCGGGGTCGACGGCTGGGGCTGGAACTTGTTAAAGGAGC[C>T]CCGCGCCCCAGCTCCACTCTCCAGGGGTGTCGCCAGGTCCTGCTGCCCAGCGCCGTAACG-3'
Protein context (NP_068745.2, residues 75-95): TPLESGAGAR[Gly85Ser]SFNKFQPQPS

ClinVar aggregate classification (germline): Uncertain significance. Review status: criteria provided, multiple submitters, no conflicts (2 of 4 stars). 2 submissions from 2 submitters: Uncertain significance (2). Last evaluated 2023-07-17.

Conditions:
Inborn genetic diseases. Identifiers: MedGen C0950123, MeSH D030342.

Allele frequency attached by ClinVar (database versions not stated): TOPMed 0.00001; ExAC 0.00007.
gnomAD v4.1: 41 of 1,551,960 alleles (0.0026%); highest among the groups gnomAD compares: Non-Finnish European, 0.0011%; no homozygotes.

Submissions (2):

Labcorp Genetics (formerly Invitae), Labcorp
Classification: Uncertain significance. Last evaluated: 2023-07-17. Review status: criteria provided, single submitter. Criteria: Invitae Variant Classification Sherloc (09022015). Collection method: clinical testing. Allele origin: germline.
Comment: In summary, the available evidence is currently insufficient to determine the role of this variant in disease. Therefore, it has been classified as a Variant of Uncertain Significance. An algorithm developed to predict the effect of missense changes on protein structure and function (PolyPhen-2) suggests that this variant is likely to be tolerated. ClinVar contains an entry for this variant (Variation ID: 1904706). This variant has not been reported in the literature in individuals affected with ALX4-related conditions. This variant is present in population databases (rs765279140, gnomAD 0.09%). This sequence change replaces glycine, which is neutral and non-polar, with serine, which is neutral and polar, at codon 85 of the ALX4 protein (p.Gly85Ser).

Ambry Genetics
Classification: Uncertain significance for Inborn genetic diseases. Last evaluated: 2021-06-14. Review status: criteria provided, single submitter. Criteria: Ambry Variant Classification Scheme 2023. Collection method: clinical testing. Allele origin: germline.